The following is an entry in ClinVar:

ClinVar aggregate classification (germline): Pathogenic (1 of 4 stars; one submission).

Allele frequency attached by ClinVar (database versions not stated): gnomAD exomes below 0.00001; TOPMed below 0.00001; ExAC 0.00001.
gnomAD v4.1: 1 of 1,614,110 alleles (0.000062%); highest among the groups gnomAD compares: Non-Finnish European, 0.000085%; no homozygotes.

Submission:

Labcorp Genetics (formerly Invitae), Labcorp
Classification: Pathogenic. Last evaluated: 2025-11-01. Review status: criteria provided, single submitter. Criteria: Invitae Variant Classification Sherloc (09022015). Collection method: clinical testing. Allele origin: germline.
Comment: This sequence change creates a premature translational stop signal (p.Ser22*) in the MGME1 gene. It is expected to result in an absent or disrupted protein product. Loss-of-function variants in MGME1 are known to be pathogenic (PMID: 23313956). This variant is present in population databases (rs761126029, gnomAD 0.0009%). This variant has not been reported in the literature in individuals affected with MGME1-related conditions. ClinVar contains an entry for this variant (Variation ID: 2165318). For these reasons, this variant has been classified as Pathogenic.

Literature cited by the submitters: PubMed 23313956.

NM_052865.4(MGME1):c.65C>A (p.Ser22Ter)

Genes: MGME1 (mitochondrial genome maintenance exonuclease 1; plus strand), LOC126862983 (CDK7 strongly-dependent group 2 enhancer GRCh37_chr20:17950167-17951366; plus strand). Cytogenetic location: 20p11.23.
Variant type: single nucleotide variant.
Coding change: c.65C>A on transcript NM_052865.4 (MANE Select); coding-DNA position 65, C replaced by A.
Protein change: p.Ser22Ter; replaces serine 22 with a stop codon.
Molecular consequence: nonsense.
Genome position (GRCh38, 1-based): chr20:17,969,924, C>A. VCF-style: chr20-17969924-C-A. GRCh37 (hg19) VCF-style: chr20-17950567-C-A.
Other names: c.65C>A, p.Ser22Ter (NM_001310338.2, NM_001310339.2, NM_001363738.2); short protein forms S22*.
Identifiers: ClinVar variation 2165318 (VCV002165318.4), dbSNP rs761126029, ClinGen allele CA9774873.